The following is an entry in ClinVar:

ClinVar aggregate classification (germline): Uncertain significance (1 of 4 stars; one submission).

Conditions:
Congenital adrenal hypoplasia, X-linked (AHC). Also called: X-linked AHC; X-Linked Adrenal Hypoplasia Congenita; ADRENAL HYPOPLASIA, CONGENITAL, WITH HYPOGONADOTROPIC HYPOGONADISM; Isolated X-Linked Adrenal Hypoplasia Congenita. Identifiers: Orphanet 95702, MedGen C0342482, MONDO:0010264, OMIM 300200. Disease mechanism: loss of function.
46,XY sex reversal 2. Also called: 46XY sex reversal 2, dosage-sensitive; NR0B1-Related 46,XY CGD; NR0B1-related 46,XY complete gonadal dysgenesis; Dosage-sensitive sex reversal; 46,XY SEX REVERSAL, DAX1-RELATED. Identifiers: MedGen C1848296, MONDO:0010226, OMIM 300018.

Submission:

Labcorp Genetics (formerly Invitae), Labcorp
Classification: Uncertain significance for Congenital adrenal hypoplasia, X-linked; 46,XY sex reversal 2. Last evaluated: 2022-04-16. Review status: criteria provided, single submitter. Criteria: Invitae Variant Classification Sherloc (09022015). Collection method: clinical testing. Allele origin: germline.
Comment: This sequence change replaces alanine, which is neutral and non-polar, with glutamic acid, which is acidic and polar, at codon 247 of the NR0B1 protein (p.Ala247Glu). This variant is not present in population databases (gnomAD no frequency). In summary, the available evidence is currently insufficient to determine the role of this variant in disease. Therefore, it has been classified as a Variant of Uncertain Significance. Advanced modeling of protein sequence and biophysical properties (such as structural, functional, and spatial information, amino acid conservation, physicochemical variation, residue mobility, and thermodynamic stability) performed at Invitae indicates that this missense variant is not expected to disrupt NR0B1 protein function. This variant has not been reported in the literature in individuals affected with NR0B1-related conditions.

NM_000475.5(NR0B1):c.740C>A (p.Ala247Glu)

Gene: NR0B1 (nuclear receptor subfamily 0 group B member 1; minus strand). Cytogenetic location: Xp21.2.
Variant type: single nucleotide variant.
Coding change: c.740C>A on transcript NM_000475.5 (MANE Select); coding-DNA position 740, C replaced by A.
Protein change: p.Ala247Glu; replaces alanine 247 with glutamic acid.
Molecular consequence: missense variant.
Genome position (GRCh38, 1-based): chrX:30,308,624, G>T on the plus strand (C>A on the coding strand, the complement: NR0B1 is on the minus strand). VCF-style: chrX-30308624-G-T. GRCh37 (hg19) VCF-style: chrX-30326741-G-T.
Other names: short protein forms A247E.
Identifiers: ClinVar variation 2126966 (VCV002126966.4), dbSNP rs759270255, ClinGen allele CA412547988.